The following is an entry in ClinVar:

ClinVar aggregate classification (germline): Uncertain significance (1 of 4 stars; one submission).

Conditions:
Centromeric instability of chromosomes 1,9 and 16 and immunodeficiency (ICF1). Also called: CENTROMERIC INSTABILITY, IMMUNODEFICIENCY SYNDROME; IMMUNE DEFICIENCY, VARIABLE, WITH CENTROMERIC INSTABILITY OF CHROMOSOMES 1, 9, AND 16; IMMUNODEFICIENCY SYNDROME, VARIABLE; Immunodeficiency-centromeric instability-facial anomalies. Identifiers: Orphanet 2268, MedGen C0398788, MONDO:0000133.

Allele frequency attached by ClinVar (database versions not stated): gnomAD exomes 0.00002; gnomAD 0.00005; TOPMed 0.00005; ESP Exome Variant Server 0.00015.
gnomAD v4.1: 19 of 1,613,998 alleles (0.0012%); highest among the groups gnomAD compares: South Asian, 0.0033%; no homozygotes.

Submission:

Labcorp Genetics (formerly Invitae), Labcorp
Classification: Uncertain significance for Centromeric instability of chromosomes 1,9 and 16 and immunodeficiency. Last evaluated: 2022-09-01. Review status: criteria provided, single submitter. Criteria: Invitae Variant Classification Sherloc (09022015). Collection method: clinical testing. Allele origin: germline.
Comment: This sequence change replaces threonine, which is neutral and polar, with asparagine, which is neutral and polar, at codon 84 of the DNMT3B protein (p.Thr84Asn). This variant is present in population databases (rs138276579, gnomAD 0.003%). This variant has not been reported in the literature in individuals affected with DNMT3B-related conditions. ClinVar contains an entry for this variant (Variation ID: 1406797). Algorithms developed to predict the effect of missense changes on protein structure and function are either unavailable or do not agree on the potential impact of this missense change (SIFT: "Tolerated"; PolyPhen-2: "Possibly Damaging"; Align-GVGD: "Class C0"). In summary, the available evidence is currently insufficient to determine the role of this variant in disease. Therefore, it has been classified as a Variant of Uncertain Significance.

NM_006892.4(DNMT3B):c.251C>A (p.Thr84Asn)

Gene: DNMT3B (DNA methyltransferase 3 beta; plus strand). Cytogenetic location: 20q11.21.
Variant type: single nucleotide variant.
Coding change: c.251C>A on transcript NM_006892.4 (MANE Select); coding-DNA position 251, C replaced by A.
Protein change: p.Thr84Asn; replaces threonine 84 with asparagine.
Molecular consequence: missense variant. On other transcripts: intron variant (1).
Genome position (GRCh38, 1-based): chr20:32,784,804, C>A. VCF-style: chr20-32784804-C-A. GRCh37 (hg19) VCF-style: chr20-31372610-C-A.
Other names: c.251C>A, p.Thr84Asn (NM_001207055.2, NM_175848.2, NM_175849.2); c.287C>A, p.Thr96Asn (NM_175850.3); c.205-2426C>A (NM_001207056.2); short protein forms T96N, T84N.
Identifiers: ClinVar variation 1406797 (VCV001406797.5), dbSNP rs138276579, ClinGen allele CA313183035.